The following is an entry in ClinVar:

NM_006946.4(SPTBN2):c.193A>C (p.Lys65Gln)

Gene: SPTBN2 (spectrin beta, non-erythrocytic 2; minus strand). Cytogenetic location: 11q13.2.
Variant type: single nucleotide variant.
Coding change: c.193A>C on transcript NM_006946.4 (MANE Select); coding-DNA position 193, A replaced by C.
Protein change: p.Lys65Gln; replaces lysine 65 with glutamine.
Molecular consequence: missense variant.
Genome position (GRCh38, 1-based): chr11:66,715,946, T>G on the plus strand (A>C on the coding strand, the complement: SPTBN2 is on the minus strand). VCF-style: chr11-66715946-T-G. GRCh37 (hg19) VCF-style: chr11-66483417-T-G.
Other names: short protein forms K65Q.
Identifiers: ClinVar variation 1676238 (VCV001676238.2), dbSNP rs2135526204, ClinGen allele CA381484369.

ClinVar aggregate classification (germline): Likely pathogenic (1 of 4 stars; one submission).

Conditions:
Spinocerebellar ataxia type 5 (SCA5). Identifiers: Orphanet 98766, MedGen C0752123, MONDO:0010848, OMIM 600224.

Submission:

Molecular Genetics, Royal Melbourne Hospital
Classification: Likely pathogenic for Spinocerebellar ataxia type 5. Last evaluated: 2023-03-30. Review status: criteria provided, single submitter. Criteria: ACMG Guidelines, 2015. Collection method: clinical testing. Allele origin: germline. Affected: yes.
Comment: This sequence change in SPTBN2 is predicted to replace lysine with glutamine at codon 65 (p.(Lys65Gln)). The lysine residue is highly conserved (100 vertebrates, UCSC), and is located in the first calponin homology (CH) domain. There is a small physicochemical difference between lysine and glutamine. This variant is absent from gnomAD v2.1 and v3.1. This variant has been identified as a de novo occurrence with confirmed parental relationships in one individual with ataxia, developmental delay, and moderate intellectual disability (VKGL-NL Nijmegen), which is consistent with the phenotype of other cases with de novo SPTBN2 missense variants (PMID: 33801522). Multiple lines of computational evidence predict a deleterious effect for the missense substitution (5/6 algorithms). Another missense variant c.193A>G, p.(Lys65Glu) in the same codon has been reported in a patient with non-progressive congenital ataxia (PMID: 33801522). Based on the classification scheme RMH Modified ACMG Guidelines v1.4.0, this variant is classified as LIKELY PATHOGENIC. Following criteria are met: PS2, PM2_Supporting, PP3.

Literature cited by the submitters: PubMed 33801522.